The following is an entry in ClinVar:

ClinVar aggregate classification (germline): Likely benign. Review status: criteria provided, multiple submitters, no conflicts (2 of 4 stars). 4 submissions from 4 submitters: Likely benign (4). Last evaluated 2025-12-31.

Conditions:
ABCC6-related disorder. Also called: ABCC6-related condition.

Allele frequency attached by ClinVar (database versions not stated): gnomAD 0.00001; ExAC 0.00003; gnomAD exomes 0.00003; TOPMed 0.00003; ESP Exome Variant Server 0.00008.
gnomAD v4.1: 71 of 1,613,048 alleles (0.0044%); highest among the groups gnomAD compares: East Asian, 0.011%; no homozygotes.

Submissions (4):

PreventionGenetics, part of Exact Sciences
Classification: Likely benign for ABCC6-related condition. Last evaluated: 2025-12-31. Review status: criteria provided, single submitter. Criteria: ACMG Guidelines, 2015. Collection method: clinical testing. Allele origin: germline.
Comment: This variant is classified as likely benign based on ACMG/AMP sequence variant interpretation guidelines (Richards et al. 2015 PMID: 25741868, with internal and published modifications).

Labcorp Genetics (formerly Invitae), Labcorp
Classification: Likely benign. Last evaluated: 2025-12-03. Review status: criteria provided, single submitter. Criteria: Invitae Variant Classification Sherloc (09022015). Collection method: clinical testing. Allele origin: germline.

Blueprint Genetics
Classification: Likely benign. Last evaluated: 2024-10-17. Review status: criteria provided, single submitter. Criteria: ACMG Guidelines, 2015. Collection method: clinical testing. Allele origin: germline.

Women's Health and Genetics/Laboratory Corporation of America, LabCorp
Classification: Likely benign. Last evaluated: 2024-02-19. Review status: criteria provided, single submitter. Criteria: LabCorp Variant Classification Summary - May 2015. Collection method: clinical testing. Allele origin: germline.
Comment: Variant summary: ABCC6 c.3294C>T alters a conserved nucleotide resulting in a synonymous change. The variant allele was found at a frequency of 2.8e-05 in 250298 control chromosomes. The available data on variant occurrences in the general population are insufficient to allow any conclusion about variant significance. To our knowledge, no occurrence of c.3294C>T in individuals affected with Pseudoxanthoma Elasticum and no experimental evidence demonstrating its impact on protein function have been reported. ClinVar contains an entry for this variant (Variation ID: 1123385). Based on the evidence outlined above, the variant was classified as likely benign.

NM_001171.6(ABCC6):c.3294C>T (p.Tyr1098=)

Gene: ABCC6 (ATP binding cassette subfamily C member 6; minus strand). Cytogenetic location: 16p13.11.
Variant type: single nucleotide variant.
Coding change: c.3294C>T on transcript NM_001171.6 (MANE Select); coding-DNA position 3294, C replaced by T.
Protein change: p.Tyr1098=; no amino-acid change (tyrosine 1098 retained).
Molecular consequence: synonymous variant. On other transcripts: non-coding transcript variant (1).
Genome position (GRCh38, 1-based): chr16:16,165,635, G>A on the plus strand (C>T on the coding strand, the complement: ABCC6 is on the minus strand). VCF-style: chr16-16165635-G-A. GRCh37 (hg19) VCF-style: chr16-16259492-G-A.
Other names: c.3294C>T (NM_001171.5); c.2952C>T, p.Tyr984= (NM_001351800.1).
Identifiers: ClinVar variation 1123385 (VCV001123385.13), dbSNP rs371889155, ClinGen allele CA7925641.